The following is an entry in ClinVar:

NM_015557.3(CHD5):c.3258C>G (p.Phe1086Leu)

Gene: CHD5 (chromodomain helicase DNA binding protein 5; minus strand). Cytogenetic location: 1p36.31.
Variant type: single nucleotide variant.
Coding change: c.3258C>G on transcript NM_015557.3 (MANE Select); coding-DNA position 3258, C replaced by G.
Protein change: p.Phe1086Leu; replaces phenylalanine 1086 with leucine.
Molecular consequence: missense variant.
Genome position (GRCh38, 1-based): chr1:6,131,635, G>C on the plus strand (C>G on the coding strand, the complement: CHD5 is on the minus strand). VCF-style: chr1-6131635-G-C. GRCh37 (hg19) VCF-style: chr1-6191695-G-C.
Other names: short protein forms F1086L.
Identifiers: ClinVar variation 5019767 (VCV005019767.2).
Genomic context (GRCh38, chr1:6,131,635, plus strand): 5'-GGGAGAAGAGGCCAAAAAGGAGTCTCAATCAGAACCCTTGGGCAGGATGGGGGTACCATT[G>C]AATCTGTCGATTGCCTCCTGCCGGAGGCCCCCGGTGATGCCACCATCAATCCGCTCATAC-3'
Protein context (NP_056372.1, residues 1076-1096): GGLRQEAIDR[Phe1086Leu]NAPGAQQFCF

ClinVar aggregate classification (germline): Uncertain significance (1 of 4 stars; one submission).

Conditions:
Parenti-mignot neurodevelopmental syndrome. Identifiers: MedGen C5676984, MONDO:0859249, OMIM 619873.

Submission:

Juno Genomics, Hangzhou Juno Genomics, Inc
Classification: Uncertain significance for Parenti-mignot neurodevelopmental syndrome. Review status: criteria provided, single submitter. Criteria: ACMG Guidelines, 2015. Collection method: clinical testing. Allele origin: germline.
Comment: Absent from controls (or at extremely low frequency if recessive) in Genome Aggregation Database.;Multiple lines of computational evidence support a deleterious effect on the gene or gene product.;Missense variant in a gene that has a low rate of benign missense variation.